The following is an entry in ClinVar:

ClinVar aggregate classification (germline): Uncertain significance (1 of 4 stars; one submission).

Conditions:
Congenital myasthenic syndrome 8. Also called: Myasthenic syndrome, congenital, 8, with pre- and postsynaptic defects; MYASTHENIC SYNDROME, CONGENITAL, DUE TO AGRIN DEFICIENCY. Identifiers: Orphanet 590, MedGen C3808739, MONDO:0014052, OMIM 615120.

Submission:

Labcorp Genetics (formerly Invitae), Labcorp
Classification: Uncertain significance for Congenital myasthenic syndrome 8. Last evaluated: 2025-09-19. Review status: criteria provided, single submitter. Criteria: Invitae Variant Classification Sherloc (09022015). Collection method: clinical testing. Allele origin: germline.
Comment: This sequence change falls in intron 24 of the AGRN gene. It does not directly change the encoded amino acid sequence of the AGRN protein. This variant is not present in population databases (gnomAD no frequency). This variant has not been reported in the literature in individuals affected with AGRN-related conditions. Experimental studies and prediction algorithms are not available or were not evaluated, and the effect of this variant on mRNA splicing is currently unknown. In summary, the available evidence is currently insufficient to determine the role of this variant in disease. Therefore, it has been classified as a Variant of Uncertain Significance.

NM_198576.4(AGRN):c.4298+55_4298+56insGGGGGGGAGGGGGGGCCGGGGCAGCTCAGGTGGGCGGGGAGGGGACGGG

Gene: AGRN (agrin; plus strand). Cytogenetic location: 1p36.33.
Variant type: Microsatellite.
Coding change: c.4298+55_4298+56insGGGGGGGAGGGGGGGCCGGGGCAGCTCAGGTGGGCGGGGAGGGGACGGG on transcript NM_198576.4 (MANE Select); bases 55 to 56 of the intron after coding-DNA position 4298, GGGGGGGAGGGGGGGCCGGGGCAGCTCAGGTGGGCGGGGAGGGGACGGG inserted.
Molecular consequence: intron variant.
Genome position: GRCh38: chr1:1,049,077-1,049,114. GRCh37 (hg19), VCF-style position (the base before the change): chr1:984,456.
Other names: c.4298+55_4298+56insGGGGGGGAGGGGGGGCCGGGGCAGCTCAGGTGGGCGGGGAGGGGACGGG (NM_001305275.2); c.3983+55_3983+56insGGGGGGGAGGGGGGGCCGGGGCAGCTCAGGTGGGCGGGGAGGGGACGGG (NM_001364727.2).
Identifiers: ClinVar variation 4739043 (VCV004739043.1).
Genomic context (GRCh38, chr1:1,049,076, plus strand): 5'-GACTTCCTGGCATTGGCGCTGCTAGATGGCCGCGTGCAGCTCAGGTGGGCGGGGAGGGGA[C>CGGGGCCGGGGCAGCTCAGGTGGGCGGGGAGGGGACGGGGGGGGGGAGGG]GGGGCCGGGGCAGCTCAGGTGGGCGGGGAGGGGACGGGCGGGGGAGGGGGGGCCGGGGCA-3'